The following is an entry in ClinVar:

ClinVar aggregate classification (germline): Benign/Likely benign. Review status: criteria provided, multiple submitters, no conflicts (2 of 4 stars). 5 submissions from 5 submitters: Benign (1); Likely benign (3). 1 of the submissions does not count toward it. Last evaluated 2025-09-16.

Conditions:
BRIP1-related disorder. Also called: BRIP1-related condition; BRIP1-related disorders. Identifiers: MedGen CN239206.
Fanconi anemia complementation group J. Also called: BRIP1-Related Fanconi Anemia. Identifiers: Orphanet 84, MedGen C1836860, MONDO:0012187, OMIM 609054.
Familial cancer of breast. Also called: BREAST CANCER, FAMILIAL; hereditary breast carcinoma; Hereditary breast cancer. Identifiers: Orphanet 227535, MedGen C0346153, MONDO:0016419, OMIM 114480. Disease mechanism: loss of function.
Hereditary cancer-predisposing syndrome. Also called: Tumor predisposition; Neoplastic Syndromes, Hereditary; Hereditary Cancer Syndrome; Hereditary neoplastic syndrome. Identifiers: Orphanet 140162, MedGen C0027672, MeSH D009386, MONDO:0015356.

Submissions (5):

Labcorp Genetics (formerly Invitae), Labcorp
Classification: Likely benign for Familial cancer of breast; Fanconi anemia complementation group J. Last evaluated: 2025-09-16. Review status: criteria provided, single submitter. Criteria: Invitae Variant Classification Sherloc (09022015). Collection method: clinical testing. Allele origin: germline.

Myriad Genetics, Inc.
Classification: Benign for Familial cancer of breast. Last evaluated: 2024-09-03. Review status: criteria provided, single submitter. Criteria: Myriad Autosomal Dominant, Autosomal Recessive and X-Linked Classification Criteria (2023). Collection method: clinical testing. Allele origin: unknown.
Comment: This variant is considered benign. This variant is a silent/synonymous amino acid change and it is not expected to impact splicing.

Color Diagnostics, LLC DBA Color Health
Classification: Likely benign for Hereditary cancer-predisposing syndrome. Last evaluated: 2017-06-19. Review status: criteria provided, single submitter. Criteria: ACMG Guidelines, 2015. Collection method: clinical testing. Allele origin: germline.

Ambry Genetics
Classification: Likely benign for Hereditary cancer-predisposing syndrome. Last evaluated: 2015-09-27. Review status: criteria provided, single submitter. Criteria: Ambry Variant Classification Scheme 2023. Collection method: clinical testing. Allele origin: germline.

PreventionGenetics, part of Exact Sciences
Classification: Likely benign for BRIP1-related condition. Last evaluated: 2021-12-06. Review status: no assertion criteria provided. Collection method: clinical testing. Allele origin: germline. Not counted in ClinVar's aggregate classification.
Comment: This variant is classified as likely benign based on ACMG/AMP sequence variant interpretation guidelines (Richards et al. 2015 PMID: 25741868, with internal and published modifications).

NM_032043.3(BRIP1):c.2149C>T (p.Leu717=)

Gene: BRIP1 (BRCA1 interacting DNA helicase 1; minus strand). Cytogenetic location: 17q23.2.
Variant type: single nucleotide variant.
Coding change: c.2149C>T on transcript NM_032043.3 (MANE Select); coding-DNA position 2149, C replaced by T.
Protein change: p.Leu717=; no amino-acid change (leucine 717 retained).
Molecular consequence: synonymous variant.
Genome position (GRCh38, 1-based): chr17:61,744,540, G>A on the plus strand (C>T on the coding strand, the complement: BRIP1 is on the minus strand). VCF-style: chr17-61744540-G-A. GRCh37 (hg19) VCF-style: chr17-59821901-G-A.
Identifiers: ClinVar variation 491432 (VCV000491432.19), dbSNP rs1555591473, ClinGen allele CA501151354.